The following is an entry in ClinVar:

ClinVar aggregate classification (germline): Uncertain significance (0 of 4 stars; one submission).

Conditions:
Prostate cancer. Also called: Malignant tumor of prostate. Identifiers: Orphanet 1331, MedGen C0376358, MONDO:0008315, HP:0012125.

Submission:

Science for Life laboratory,  Karolinska Institutet
Classification: Uncertain significance for Malignant tumor of prostate. Review status: no assertion criteria provided. Collection method: not provided. Allele origin: somatic.
Comment: TumorID:SWE-11
ClinVar note: Converted during submission from Unknown to Uncertain significance.

NM_001347969.2(ENOX1):c.759_765del (p.Ser254fs)

Gene: ENOX1 (ecto-NOX disulfide-thiol exchanger 1; minus strand). Cytogenetic location: 13q14.11.
Variant type: Deletion.
Coding change: c.759_765del on transcript NM_001347969.2 (MANE Select); coding-DNA positions 759 to 765, 7 bases deleted (ATCCCCG; older notation c.759_765delATCCCCG).
Protein change: p.Ser254fs; shifts the reading frame from serine 254.
Molecular consequence: frameshift variant.
Genome position (GRCh38, 1-based): chr13:43,355,977-43,355,983, CGGGGAT deleted on the plus strand (ATCCCCG on the coding strand, the reverse complement: ENOX1 is on the minus strand). VCF-style (leftmost placement, unchanged base first): chr13-43355976-GCGGGGAT-G. GRCh37 (hg19) VCF-style: chr13-43930112-GCGGGGAT-G.
Other names: c.759_765del, p.Ser254fs (NM_001127615.3, NM_001242863.3, NM_001347964.2 and 5 more transcripts); c.864_870del, p.Ser289fs (NM_001347963.2); c.642_648del, p.Ser215fs (NM_001347970.2, NM_001347971.2); short protein forms S289fs, S215fs, S254fs.
Identifiers: ClinVar variation 161522 (VCV000161522.2), dbSNP rs193920792, ClinGen allele CA174261.
Genomic context (GRCh38, chr13:43,355,976, plus strand): 5'-TACCTTTCAGCTTTTCAGCCAGCAGAGCGGCTTCGTGCTCCGAGTAGTGCATTATGGCAG[GCGGGGAT>G]GGGGGCCTGAGCCGGTCCTCCTCCAGCTTGCGCCGGTGCCGCTCCTCCCGGGCACGCATC-3'